The following is an entry in ClinVar:

ClinVar aggregate classification (germline): Uncertain significance (1 of 4 stars; one submission).

Submission:

Dasa
Classification: Uncertain significance. Last evaluated: 2025-08-04. Review status: criteria provided, single submitter. Criteria: DASA Assertion Criteria. Collection method: clinical testing. Allele origin: germline.
Comment: NM_001375524.1(TRRAP):c.5494C>G (p.Leu1832Val) is a missense variant that results in the substitution of leucine with valine. This variant is absent from population databases. Computational prediction algorithms are consistent with a benign effect. The currently available literature and clinical evidence are not sufficient to establish a definitive association between this variant and the reported condition. Therefore, this variant is classified as a variant of uncertain significance.

NM_001375524.1(TRRAP):c.5494C>G (p.Leu1832Val)

Gene: TRRAP (transformation/transcription domain associated protein; plus strand). Cytogenetic location: 7q22.1.
Variant type: single nucleotide variant.
Coding change: c.5494C>G on transcript NM_001375524.1 (MANE Select); coding-DNA position 5494, C replaced by G.
Protein change: p.Leu1832Val; replaces leucine 1832 with valine.
Molecular consequence: missense variant.
Genome position (GRCh38, 1-based): chr7:98,953,197, C>G. VCF-style: chr7-98953197-C-G. GRCh37 (hg19) VCF-style: chr7-98550820-C-G.
Other names: c.5473C>G, p.Leu1825Val (NM_001244580.2); c.5419C>G, p.Leu1807Val (NM_003496.4); short protein forms L1807V, L1825V, L1832V.
Identifiers: ClinVar variation 4885051 (VCV004885051.2).